The following is an entry in ClinVar:

ClinVar aggregate classification (germline): Benign. Review status: criteria provided, single submitter (1 of 4 stars). 2 submissions from 2 submitters: Benign (1). 1 of the submissions does not count toward it. Last evaluated 2024-02-23.

Conditions:
NSD2-related disorder. Also called: NSD2 related disorders; NSD2-related condition.

Submissions (2):

Labcorp Genetics (formerly Invitae), Labcorp
Classification: Benign. Last evaluated: 2024-02-23. Review status: criteria provided, single submitter. Criteria: Invitae Variant Classification Sherloc (09022015). Collection method: clinical testing. Allele origin: germline.

PreventionGenetics, part of Exact Sciences
Classification: Likely benign for NSD2-related condition. Last evaluated: 2019-07-19. Review status: no assertion criteria provided. Collection method: clinical testing. Allele origin: germline. Not counted in ClinVar's aggregate classification.
Comment: This variant is classified as likely benign based on ACMG/AMP sequence variant interpretation guidelines (Richards et al. 2015 PMID: 25741868, with internal and published modifications).

NM_001042424.3(NSD2):c.928-6del

Gene: NSD2 (nuclear receptor binding SET domain protein 2; plus strand). Cytogenetic location: 4p16.3.
Variant type: Deletion.
Coding change: c.928-6del on transcript NM_001042424.3 (MANE Select); 6 bases into the intron before coding-DNA position 928, one base deleted (T; older notation c.928-6delT).
Molecular consequence: intron variant.
Genome position (GRCh38, 1-based): chr4:1,918,135, T deleted; the last of 10 consecutive T bases (chr4:1,918,126-1,918,135); deleting any one gives the same sequence. VCF-style (leftmost placement, unchanged base first): chr4-1918125-CT-C. GRCh37 (hg19) VCF-style: chr4-1919852-CT-C.
Other names: c.928-6del (NM_001440892.1, NM_001440894.1, NM_001440895.1 and 8 more transcripts); c.1027-6del (NM_001440893.1); c.-42-6del (NM_001440900.1, NM_001440899.1).
Identifiers: ClinVar variation 1896395 (VCV001896395.7), dbSNP rs551185425, ClinGen allele CA2811993.
Genomic context (GRCh38, chr4:1,918,125, plus strand): 5'-ATCATGTGCCTAGGAAAAGTAGTTAACTTTTATGTTTGTGTAGTGAAACTTACAGTGTCT[CT>C]TTTTTTTTTCCCAGCTATTGAAACCAATTTCAGGGAAATTGAGGGCCCAGTGGGAAATGG-3'